The following is an entry in ClinVar:

NM_022455.5(NSD1):c.6177C>T (p.Asn2059=)

Gene: NSD1 (nuclear receptor binding SET domain protein 1; plus strand). Cytogenetic location: 5q35.3.
Variant type: single nucleotide variant.
Coding change: c.6177C>T on transcript NM_022455.5 (MANE Select); coding-DNA position 6177, C replaced by T.
Protein change: p.Asn2059=; no amino-acid change (asparagine 2059 retained).
Molecular consequence: synonymous variant. On other transcripts: intron variant (1).
Genome position (GRCh38, 1-based): chr5:177,288,844, C>T. VCF-style: chr5-177288844-C-T. GRCh37 (hg19) VCF-style: chr5-176715845-C-T.
Other names: c.5304C>T, p.Asn1768= (NM_001365684.2, NM_001409308.1, NM_172349.5); c.6177C>T, p.Asn2059= (NM_001409301.1, NM_001409302.1, NM_001409303.1); c.5757C>T, p.Asn1919= (NM_001409304.1); c.5424C>T, p.Asn1808= (NM_001409305.1); c.5415C>T, p.Asn1805= (NM_001409306.1, NM_001409307.1); c.5137-3110C>T (NM_001409309.1).
Identifiers: ClinVar variation 4873364 (VCV004873364.2).
Genomic context (GRCh38, chr5:177,288,844, plus strand): 5'-CATAGATATTAATATTTTCACGGTCTCTTATGCAGGCACTGAACTTACCTTCAACTACAA[C>T]CTAGAATGTCTTGGGAATGGAAAGACTGTTTGCAAATGTGGAGCCCCGAACTGCAGTGGC-3'
Protein context (NP_071900.2, residues 2049-2069): KAGTELTFNY[Asn2059=]LECLGNGKTV

ClinVar aggregate classification (germline): Likely benign (1 of 4 stars; one submission).

gnomAD v4.1: 2 of 1,614,032 alleles (0.00012%); highest among the groups gnomAD compares: East Asian, 0.0022%; no homozygotes.

Submission:

CeGaT Center for Human Genetics Tuebingen
Classification: Likely benign. Last evaluated: 2026-06-01. Review status: criteria provided, single submitter. Criteria: CeGaT Center For Human Genetics Tuebingen Variant Classification Criteria Version 2. Collection method: clinical testing. Allele origin: germline. Affected: yes. Observed: 1 variant allele.
Comment: NSD1: BP4, BP7